The following is an entry in ClinVar:

NM_002047.4(GARS1):c.145G>C (p.Ala49Pro)

Gene: GARS1 (glycyl-tRNA synthetase 1; plus strand). Cytogenetic location: 7p14.3.
Variant type: single nucleotide variant.
Coding change: c.145G>C on transcript NM_002047.4 (MANE Select); coding-DNA position 145, G replaced by C.
Protein change: p.Ala49Pro; replaces alanine 49 with proline.
Molecular consequence: missense variant. On other transcripts: 5 prime UTR variant (1).
Genome position (GRCh38, 1-based): chr7:30,595,066, G>C. VCF-style: chr7-30595066-G-C. GRCh37 (hg19) VCF-style: chr7-30634682-G-C.
Other names: c.-18G>C (NM_001316772.1); short protein forms A49P.
Identifiers: ClinVar variation 2697924 (VCV002697924.3), dbSNP rs2534280810, ClinGen allele CA367138624.

ClinVar aggregate classification (germline): Uncertain significance (1 of 4 stars; one submission).

Conditions:
Charcot-Marie-Tooth disease type 2. Also called: Charcot-Marie-Tooth type 2. Identifiers: Orphanet 64746, MedGen C0270914, MONDO:0018993.

Submission:

Labcorp Genetics (formerly Invitae), Labcorp
Classification: Uncertain significance for Charcot-Marie-Tooth disease type 2. Last evaluated: 2023-11-21. Review status: criteria provided, single submitter. Criteria: Invitae Variant Classification Sherloc (09022015). Collection method: clinical testing. Allele origin: germline.
Comment: This sequence change replaces alanine, which is neutral and non-polar, with proline, which is neutral and non-polar, at codon 49 of the GARS protein (p.Ala49Pro). This variant is not present in population databases (gnomAD no frequency). This variant has not been reported in the literature in individuals affected with GARS-related conditions. Advanced modeling of protein sequence and biophysical properties (such as structural, functional, and spatial information, amino acid conservation, physicochemical variation, residue mobility, and thermodynamic stability) performed at Invitae indicates that this missense variant is not expected to disrupt GARS protein function with a negative predictive value of 95%. In summary, the available evidence is currently insufficient to determine the role of this variant in disease. Therefore, it has been classified as a Variant of Uncertain Significance.